The following is an entry in ClinVar:

ClinVar aggregate classification (germline): Uncertain significance (1 of 4 stars; one submission).

Submission:

GeneDx
Classification: Uncertain significance. Last evaluated: 2024-04-22. Review status: criteria provided, single submitter. Criteria: GeneDx Variant Classification Process June 2021. Collection method: clinical testing. Allele origin: germline. Affected: yes.
Comment: Not observed at significant frequency in large population cohorts (gnomAD); In silico analysis supports that this missense variant has a deleterious effect on protein structure/function; Has not been previously published as pathogenic or benign to our knowledge

NM_020719.3(PRR12):c.193C>T (p.Pro65Ser)

Genes: PRR12 (proline rich 12; plus strand), LOC130064933 (ATAC-STARR-seq lymphoblastoid silent region 10925; plus strand). Cytogenetic location: 19q13.33.
Variant type: single nucleotide variant.
Coding change: c.193C>T on transcript NM_020719.3 (MANE Select); coding-DNA position 193, C replaced by T.
Protein change: p.Pro65Ser; replaces proline 65 with serine.
Molecular consequence: missense variant.
Genome position (GRCh38, 1-based): chr19:49,593,433, C>T. VCF-style: chr19-49593433-C-T. GRCh37 (hg19) VCF-style: chr19-50096690-C-T.
Other names: short protein forms P65S.
Identifiers: ClinVar variation 3378120 (VCV003378120.1).